The following is an entry in ClinVar:

ClinVar aggregate classification (germline): Pathogenic (1 of 4 stars; one submission).

Conditions:
Ehlers-Danlos syndrome, kyphoscoliotic type 1 (EDSKSCL1). Also called: EHLERS-DANLOS SYNDROME, TYPE VIA; Ehlers-Danlos syndrome, hydroxylysine-deficient; EHLERS-DANLOS SYNDROME, OCULAR-SCOLIOTIC TYPE; PLOD1-Related Kyphoscoliotic Ehlers-Danlos Syndrome. Identifiers: Orphanet 1900, MedGen C0268342, MONDO:0016002, OMIM 225400. Disease mechanism: loss of function.

Submission:

Labcorp Genetics (formerly Invitae), Labcorp
Classification: Pathogenic for Ehlers-Danlos syndrome, kyphoscoliotic type 1. Last evaluated: 2024-04-29. Review status: criteria provided, single submitter. Criteria: Invitae Variant Classification Sherloc (09022015). Collection method: clinical testing. Allele origin: germline.
Comment: This sequence change creates a premature translational stop signal (p.Trp557*) in the PLOD1 gene. It is expected to result in an absent or disrupted protein product. Loss-of-function variants in PLOD1 are known to be pathogenic (PMID: 10874315, 21699693). This variant is not present in population databases (gnomAD no frequency). This variant has not been reported in the literature in individuals affected with PLOD1-related conditions. For these reasons, this variant has been classified as Pathogenic.

Literature cited by the submitters: PubMed 10874315; PubMed 21699693.

NM_000302.4(PLOD1):c.1671G>A (p.Trp557Ter)

Gene: PLOD1 (procollagen-lysine,2-oxoglutarate 5-dioxygenase 1; plus strand). Cytogenetic location: 1p36.22.
Variant type: single nucleotide variant.
Coding change: c.1671G>A on transcript NM_000302.4 (MANE Select); coding-DNA position 1671, G replaced by A.
Protein change: p.Trp557Ter; replaces tryptophan 557 with a stop codon.
Molecular consequence: nonsense.
Genome position (GRCh38, 1-based): chr1:11,967,007, G>A. VCF-style: chr1-11967007-G-A. GRCh37 (hg19) VCF-style: chr1-12027064-G-A.
Other names: c.1812G>A, p.Trp604Ter (NM_001316320.2); short protein forms W604*, W557*.
Identifiers: ClinVar variation 3651595 (VCV003651595.2).